The following is an entry in ClinVar:

NM_020778.5(ALPK3):c.2785G>A (p.Ala929Thr)

Gene: ALPK3 (alpha kinase 3; plus strand). Cytogenetic location: 15q25.3.
Variant type: single nucleotide variant.
Coding change: c.2785G>A on transcript NM_020778.5 (MANE Select); coding-DNA position 2785, G replaced by A.
Protein change: p.Ala929Thr; replaces alanine 929 with threonine.
Molecular consequence: missense variant.
Genome position (GRCh38, 1-based): chr15:84,857,523, G>A. VCF-style: chr15-84857523-G-A. GRCh37 (hg19) VCF-style: chr15-85400754-G-A.
Other names: short protein forms A929T.
Identifiers: ClinVar variation 1730916 (VCV001730916.7), dbSNP rs199745991, ClinGen allele CA7709493.

ClinVar aggregate classification (germline): Conflicting classifications of pathogenicity. Review status: criteria provided, conflicting classifications (1 of 4 stars). 3 submissions from 3 submitters: Uncertain significance (2); Likely benign (1). Last evaluated 2025-06-01.

Conditions:
Cardiovascular phenotype. Identifiers: MedGen CN230736.

Allele frequency attached by ClinVar (database versions not stated): TOPMed below 0.00001; ExAC 0.00003; gnomAD exomes 0.00003; 1000 Genomes Project 30x 0.00016; 1000 Genomes Project 0.00020.
gnomAD v4.1: 58 of 1,594,698 alleles (0.0036%); highest among the groups gnomAD compares: Non-Finnish European, 0.00026%; no homozygotes.

Submissions (3):

Ambry Genetics
Classification: Uncertain significance for Cardiovascular phenotype. Last evaluated: 2025-06-01. Review status: criteria provided, single submitter. Criteria: Ambry Variant Classification Scheme 2023. Collection method: clinical testing. Allele origin: germline.
Comment: The p.A1131T variant (also known as c.3391G>A), located in coding exon 6 of the ALPK3 gene, results from a G to A substitution at nucleotide position 3391. The alanine at codon 1131 is replaced by threonine, an amino acid with similar properties. This amino acid position is well conserved in available vertebrate species. In addition, this alteration is predicted to be tolerated by in silico analysis. Since supporting evidence is limited at this time, the clinical significance of this alteration remains unclear.

Labcorp Genetics (formerly Invitae), Labcorp
Classification: Uncertain significance. Last evaluated: 2024-11-24. Review status: criteria provided, single submitter. Criteria: Invitae Variant Classification Sherloc (09022015). Collection method: clinical testing. Allele origin: germline.
Comment: This sequence change replaces alanine, which is neutral and non-polar, with threonine, which is neutral and polar, at codon 1131 of the ALPK3 protein (p.Ala1131Thr). This variant is present in population databases (rs199745991, gnomAD 0.1%). This variant has not been reported in the literature in individuals affected with ALPK3-related conditions. ClinVar contains an entry for this variant (Variation ID: 1730916). Invitae Evidence Modeling of protein sequence and biophysical properties (such as structural, functional, and spatial information, amino acid conservation, physicochemical variation, residue mobility, and thermodynamic stability) indicates that this missense variant is not expected to disrupt ALPK3 protein function with a negative predictive value of 80%. In summary, the available evidence is currently insufficient to determine the role of this variant in disease. Therefore, it has been classified as a Variant of Uncertain Significance.

Blueprint Genetics
Classification: Likely benign. Last evaluated: 2024-05-20. Review status: criteria provided, single submitter. Criteria: ACMG Guidelines, 2015. Collection method: clinical testing. Allele origin: germline.